The following is an entry in ClinVar:

ClinVar aggregate classification (germline): Uncertain significance. Review status: criteria provided, multiple submitters, no conflicts (2 of 4 stars). 2 submissions from 2 submitters: Uncertain significance (2). Last evaluated 2026-02-03.

Conditions:
Brugada syndrome. Also called: Sudden unexpected nocturnal death syndrome; Sudden unexplained nocturnal death syndrome; Sudden Unexplained Death Syndrome; Sudden Unexplained Nocturnal Death Syndrome (SUNDS). Identifiers: Orphanet 130, MedGen C1142166, MONDO:0015263.

Submissions (2):

GeneDx
Classification: Uncertain significance. Last evaluated: 2026-02-03. Review status: criteria provided, single submitter. Criteria: GeneDx Variant Classification Process June 2021. Collection method: clinical testing. Allele origin: germline.
Comment: Not observed at significant frequency in large population cohorts (gnomAD); In silico analysis suggests that this missense variant does not alter protein structure/function; Has not been previously published as pathogenic or benign to our knowledge

Labcorp Genetics (formerly Invitae), Labcorp
Classification: Uncertain significance for Brugada syndrome. Last evaluated: 2022-09-23. Review status: criteria provided, single submitter. Criteria: Invitae Variant Classification Sherloc (09022015). Collection method: clinical testing. Allele origin: germline.
Comment: In summary, the available evidence is currently insufficient to determine the role of this variant in disease. Therefore, it has been classified as a Variant of Uncertain Significance. Advanced modeling of protein sequence and biophysical properties (such as structural, functional, and spatial information, amino acid conservation, physicochemical variation, residue mobility, and thermodynamic stability) performed at Invitae indicates that this missense variant is not expected to disrupt SCN10A protein function. This sequence change replaces arginine, which is basic and polar, with serine, which is neutral and polar, at codon 1633 of the SCN10A protein (p.Arg1633Ser). This variant is not present in population databases (gnomAD no frequency). This variant has not been reported in the literature in individuals affected with SCN10A-related conditions.

NM_006514.4(SCN10A):c.4899G>C (p.Arg1633Ser)

Gene: SCN10A (sodium voltage-gated channel alpha subunit 10; minus strand). Cytogenetic location: 3p22.2.
Variant type: single nucleotide variant.
Coding change: c.4899G>C on transcript NM_006514.4 (MANE Select); coding-DNA position 4899, G replaced by C.
Protein change: p.Arg1633Ser; replaces arginine 1633 with serine.
Molecular consequence: missense variant.
Genome position (GRCh38, 1-based): chr3:38,698,321, C>G on the plus strand (G>C on the coding strand, the complement: SCN10A is on the minus strand). VCF-style: chr3-38698321-C-G. GRCh37 (hg19) VCF-style: chr3-38739812-C-G.
Other names: c.4899G>C (NM_006514.2); c.4896G>C, p.Arg1632Ser (NM_001293306.2); c.4605G>C, p.Arg1535Ser (NM_001293307.2); short protein forms R1633S, R1632S, R1535S.
Identifiers: ClinVar variation 1932333 (VCV001932333.6), dbSNP rs2470554350, ClinGen allele CA352155209.
Genomic context (GRCh38, chr3:38,698,321, plus strand): 5'-GCACAGCATGCTGTTGGCGAAGGTCTGGAAGTTGAACATGTCGTCGATGCCAGCCTCCCA[C>G]CTCACATGGGGAAAGCTGGACATACCGAAGATAGAGTAGATGAACATGACAAGGAATAGC-3'
Protein context (NP_006505.4, residues 1623-1643): IFGMSSFPHV[Arg1633Ser]WEAGIDDMFN